The following is an entry in ClinVar:

NM_002017.5(FLI1):c.252C>T (p.Ser84=)

Gene: FLI1 (Fli-1 proto-oncogene, ETS transcription factor; plus strand). Cytogenetic location: 11q24.3.
Variant type: single nucleotide variant.
Coding change: c.252C>T on transcript NM_002017.5 (MANE Select); coding-DNA position 252, C replaced by T.
Protein change: p.Ser84=; no amino-acid change (serine 84 retained).
Molecular consequence: synonymous variant. On other transcripts: intron variant (1).
Genome position (GRCh38, 1-based): chr11:128,768,139, C>T. VCF-style: chr11-128768139-C-T. GRCh37 (hg19) VCF-style: chr11-128638034-C-T.
Other names: c.153C>T, p.Ser51= (NM_001167681.3); c.54C>T, p.Ser18= (NM_001271010.2); c.10+9813C>T (NM_001271012.2).
Identifiers: ClinVar variation 3046224 (VCV003046224.3), dbSNP rs146694829, ClinGen allele CA6357016.

ClinVar aggregate classification (germline): Likely benign. Review status: criteria provided, single submitter (1 of 4 stars). 2 submissions from 2 submitters: Likely benign (1). 1 of the submissions does not count toward it. Last evaluated 2022-03-23.

Conditions:
FLI1-related disorder. Also called: FLI1-related condition.

gnomAD v4.1: 17 of 1,613,296 alleles (0.0011%); highest among the groups gnomAD compares: African/African-American, 0.004%; no homozygotes.

Submissions (2):

Blueprint Genetics
Classification: Likely benign. Last evaluated: 2022-03-23. Review status: criteria provided, single submitter. Criteria: ACMG Guidelines, 2015. Collection method: clinical testing. Allele origin: germline.

PreventionGenetics, part of Exact Sciences
Classification: Likely benign for FLI1-related condition. Last evaluated: 2020-08-25. Review status: no assertion criteria provided. Collection method: clinical testing. Allele origin: germline. Not counted in ClinVar's aggregate classification.
Comment: This variant is classified as likely benign based on ACMG/AMP sequence variant interpretation guidelines (Richards et al. 2015 PMID: 25741868, with internal and published modifications).